The following is an entry in ClinVar:

NM_015015.3(KDM4B):c.1032C>T (p.His344=)

Gene: KDM4B (lysine demethylase 4B; plus strand). Cytogenetic location: 19p13.3.
Variant type: single nucleotide variant.
Coding change: c.1032C>T on transcript NM_015015.3 (MANE Select); coding-DNA position 1032, C replaced by T.
Protein change: p.His344=; no amino-acid change (histidine 344 retained).
Molecular consequence: synonymous variant.
Genome position (GRCh38, 1-based): chr19:5,110,735, C>T. VCF-style: chr19-5110735-C-T. GRCh37 (hg19) VCF-style: chr19-5110746-C-T.
Other names: c.1032C>T, p.His344= (NM_001370093.1, NM_001370094.1, NM_001411148.1).
Identifiers: ClinVar variation 4534793 (VCV004534793.6).

ClinVar aggregate classification (germline): Likely benign (1 of 4 stars; one submission).

gnomAD v4.1: 22 of 1,612,036 alleles (0.0014%); highest among the groups gnomAD compares: Admixed American, 0.0017%; no homozygotes.

Submission:

CeGaT Center for Human Genetics Tuebingen
Classification: Likely benign. Last evaluated: 2025-10-01. Review status: criteria provided, single submitter. Criteria: CeGaT Center For Human Genetics Tuebingen Variant Classification Criteria Version 2. Collection method: clinical testing. Allele origin: germline. Affected: yes. Observed: 1 variant allele.
Comment: KDM4B: PM2:Supporting, BP4, BP7